The following is an entry in ClinVar:

NM_000642.3(AGL):c.1226T>G (p.Leu409Arg)

Gene: AGL (amylo-alpha-1,6-glucosidase and 4-alpha-glucanotransferase; plus strand). Cytogenetic location: 1p21.2.
Variant type: single nucleotide variant.
Coding change: c.1226T>G on transcript NM_000642.3 (MANE Select); coding-DNA position 1226, T replaced by G.
Protein change: p.Leu409Arg; replaces leucine 409 with arginine.
Molecular consequence: missense variant.
Genome position (GRCh38, 1-based): chr1:99,875,398, T>G. VCF-style: chr1-99875398-T-G. GRCh37 (hg19) VCF-style: chr1-100340954-T-G.
Other names: p.Leu409Arg; c.1226T>G, p.Leu409Arg (NM_000028.3, NM_000643.3, NM_000644.3 and 2 more transcripts); c.1178T>G, p.Leu393Arg (NM_000646.3); c.1022T>G, p.Leu341Arg (NM_001425328.1, NM_001425329.1); c.848T>G, p.Leu283Arg (NM_001425332.1); short protein forms L409R, L393R, L283R, L341R.
Identifiers: ClinVar variation 456451 (VCV000456451.15), dbSNP rs200459772, ClinGen allele CA966432.

ClinVar aggregate classification (germline): Uncertain significance. Review status: criteria provided, multiple submitters, no conflicts (2 of 4 stars). 7 submissions from 7 submitters: Uncertain significance (6). 1 of the submissions does not count toward it. Last evaluated 2024-10-06.

Conditions:
Glycogen storage disease type III (GSD3). Also called: Cori disease; FORBES DISEASE. Identifiers: Orphanet 366, MedGen C0017922, MONDO:0009291, OMIM 232400.

Allele frequency attached by ClinVar (database versions not stated): ExAC 0.00007; gnomAD exomes 0.00008 and 0.00033; TOPMed 0.00021; gnomAD 0.00022; ESP Exome Variant Server 0.00023.
gnomAD v4.1: 532 of 1,614,070 alleles (0.033%); highest among the groups gnomAD compares: Non-Finnish European, 0.041%; 1 homozygote.

Submissions (7):

Blueprint Genetics
Classification: Uncertain significance. Last evaluated: 2024-10-06. Review status: criteria provided, single submitter. Criteria: ACMG Guidelines, 2015. Collection method: clinical testing. Allele origin: germline.

Revvity Omics, Revvity
Classification: Uncertain significance for Glycogen storage disease type III. Last evaluated: 2024-07-03. Review status: criteria provided, single submitter. Criteria: ACMG Guidelines, 2015. Collection method: clinical testing. Allele origin: germline.

Mayo Clinic Laboratories, Mayo Clinic
Classification: Uncertain significance. Last evaluated: 2023-03-27. Review status: criteria provided, single submitter. Criteria: ACMG Guidelines, 2015. Collection method: clinical testing. Allele origin: germline. Observed: 1 variant allele.
Comment: PP3

Labcorp Genetics (formerly Invitae), Labcorp
Classification: Uncertain significance for Glycogen storage disease type III. Last evaluated: 2022-10-17. Review status: criteria provided, single submitter. Criteria: Invitae Variant Classification Sherloc (09022015). Collection method: clinical testing. Allele origin: germline.
Comment: This sequence change replaces leucine, which is neutral and non-polar, with arginine, which is basic and polar, at codon 409 of the AGL protein (p.Leu409Arg). This variant is present in population databases (rs200459772, gnomAD 0.02%). This variant has not been reported in the literature in individuals affected with AGL-related conditions. ClinVar contains an entry for this variant (Variation ID: 456451). Advanced modeling of protein sequence and biophysical properties (such as structural, functional, and spatial information, amino acid conservation, physicochemical variation, residue mobility, and thermodynamic stability) performed at Invitae indicates that this missense variant is expected to disrupt AGL protein function. In summary, the available evidence is currently insufficient to determine the role of this variant in disease. Therefore, it has been classified as a Variant of Uncertain Significance.

Genome-Nilou Lab
Classification: Uncertain significance for Glycogen storage disease type III. Last evaluated: 2021-07-15. Review status: criteria provided, single submitter. Criteria: ACMG Guidelines, 2015. Collection method: clinical testing. Allele origin: germline. Affected: no.

GeneDx
Classification: Uncertain significance. Last evaluated: 2020-06-09. Review status: criteria provided, single submitter. Criteria: GeneDx Variant Classification Process June 2021. Collection method: clinical testing. Allele origin: germline. Affected: yes.
Comment: In silico analysis supports that this missense variant has a deleterious effect on protein structure/function; Has not been previously published as pathogenic or benign to our knowledge

Natera, Inc.
Classification: Uncertain significance for Glycogen storage disease type III. Last evaluated: 2019-10-28. Review status: no assertion criteria provided. Collection method: clinical testing. Allele origin: germline. Not counted in ClinVar's aggregate classification.